The following is an entry in ClinVar:

ClinVar aggregate classification (germline): Uncertain significance (1 of 4 stars; one submission).

Conditions:
Dilated cardiomyopathy 1G (CMD1G). Identifiers: Orphanet 154, MedGen C1858763, MONDO:0011400, OMIM 604145.
Autosomal recessive limb-girdle muscular dystrophy type 2J (LGMDR10). Also called: Limb-girdle muscular dystrophy, type 2J; MUSCULAR DYSTROPHY, LIMB-GIRDLE, AUTOSOMAL RECESSIVE 10. Identifiers: Orphanet 140922, MedGen C1837342, MONDO:0012127, OMIM 608807.

Submission:

Labcorp Genetics (formerly Invitae), Labcorp
Classification: Uncertain significance for Dilated cardiomyopathy 1G; Autosomal recessive limb-girdle muscular dystrophy type 2J. Last evaluated: 2023-08-28. Review status: criteria provided, single submitter. Criteria: Invitae Variant Classification Sherloc (09022015). Collection method: clinical testing. Allele origin: germline.
Comment: This variant is located in the I band of TTN (PMID: 25589632). Truncating variants in this region have been shown to be highly prevalent in the general population and unaffected individuals (PMID: 26701604, 22335739). However, truncating variants in this region have also been reported in individuals affected with autosomal recessive centronuclear myopathy (PMID: 23975875). In summary, the available evidence is currently insufficient to determine the role of this variant in disease. Therefore, it has been classified as a Variant of Uncertain Significance. This variant has not been reported in the literature in individuals affected with TTN-related conditions. This variant is not present in population databases (gnomAD no frequency). This sequence change affects a splice site in intron 199 of the TTN gene. It is expected to disrupt RNA splicing and likely results in a truncated or disrupted TTN protein.

Literature cited by the submitters: PubMed 25589632; PubMed 26701604; PubMed 22335739; PubMed 23975875.

NM_001267550.2(TTN):c.38792-1_38792insA

Gene: TTN (titin; minus strand). Cytogenetic location: 2q31.2.
Variant type: Insertion.
Coding change: c.38792-1_38792insA on transcript NM_001267550.2 (MANE Select); the canonical splice acceptor site of the intron before coding-DNA position 38792 through coding-DNA position 38792, A inserted.
Molecular consequence: splice acceptor variant. On other transcripts: intron variant (5).
Genome position: GRCh38 VCF-style: chr2-178653124-A-AT. GRCh37 (hg19) VCF-style: chr2-179517851-A-AT.
Other names: c.13283-10808_13283-10807insA (NM_003319.4); c.13859-10808_13859-10807insA (NM_133437.4); c.13658-10808_13658-10807insA (NM_133432.3); c.31742-584_31742-583insA (NM_133378.4); c.34523-584_34523-583insA (NM_001256850.1).
Identifiers: ClinVar variation 2951356 (VCV002951356.3), dbSNP rs2472479790, ClinGen allele CA2740096190.